The following is an entry in ClinVar:

ClinVar aggregate classification (germline): Pathogenic (1 of 4 stars; one submission).

Conditions:
RYR1-related disorder. Also called: RYR1-related condition; RYR1-related disorders. Identifiers: MedGen CN239331.

Submission:

Labcorp Genetics (formerly Invitae), Labcorp
Classification: Pathogenic for RYR1-related disorder. Last evaluated: 2025-08-18. Review status: criteria provided, single submitter. Criteria: Invitae Variant Classification Sherloc (09022015). Collection method: clinical testing. Allele origin: germline.
Comment: This sequence change replaces leucine, which is neutral and non-polar, with proline, which is neutral and non-polar, at codon 4665 of the RYR1 protein (p.Leu4665Pro). This variant is not present in population databases (gnomAD no frequency). This missense change has been observed in individual(s) with clinical features of congenital myopathy (PMID: 17483490; internal data). In at least one individual the variant was observed to be de novo. ClinVar contains an entry for this variant (Variation ID: 1067471). Invitae Evidence Modeling of protein sequence and biophysical properties (such as structural, functional, and spatial information, amino acid conservation, physicochemical variation, residue mobility, and thermodynamic stability) indicates that this missense variant is expected to disrupt RYR1 protein function with a positive predictive value of 80%. For these reasons, this variant has been classified as Pathogenic.

Literature cited by the submitters: PubMed 17483490.

NM_000540.3(RYR1):c.13994T>C (p.Leu4665Pro)

Gene: RYR1 (ryanodine receptor 1; plus strand). Cytogenetic location: 19q13.2.
Variant type: single nucleotide variant.
Coding change: c.13994T>C on transcript NM_000540.3 (MANE Select); coding-DNA position 13994, T replaced by C.
Protein change: p.Leu4665Pro; replaces leucine 4665 with proline.
Molecular consequence: missense variant.
Genome position (GRCh38, 1-based): chr19:38,572,266, T>C. VCF-style: chr19-38572266-T-C. GRCh37 (hg19) VCF-style: chr19-39062906-T-C.
Other names: c.13979T>C, p.Leu4660Pro (NM_001042723.2); short protein forms L4660P, L4665P.
Identifiers: ClinVar variation 1067471 (VCV001067471.10), dbSNP rs2145870526, ClinGen allele CA405681584.
Genomic context (GRCh38, chr19:38,572,266, plus strand): 5'-GGTGTCTGAGCCTCCTGCATACACTGGTGGCCTTTCTCTGCATCATTGGCTATAATTGTC[T>C]CAAGGTGGGCCCATGGCCATGGTTCTGGGGCAAGGGCTTATTGGCTGGGTGGGGGTGGGG-3'
Protein context (NP_000531.2, residues 4655-4675): AFLCIIGYNC[Leu4665Pro]KVPLVIFKRE